The following is an entry in ClinVar:

ClinVar aggregate classification (germline): Uncertain significance (1 of 4 stars; one submission).

Conditions:
Epidermolysis bullosa simplex 5B, with muscular dystrophy (EBS5B). Also called: EPIDERMOLYSIS BULLOSA SIMPLEX AND LIMB-GIRDLE MUSCULAR DYSTROPHY; Epidermolysis bullosa simplex with muscular dystrophy. Identifiers: Orphanet 257, MedGen C2931072, MONDO:0009181, OMIM 226670.
Epidermolysis bullosa simplex, Ogna type (EBS5A). Also called: Pidermolysis bullosa simplex 5A, Ogna type; EPIDERMOLYSIS BULLOSA SIMPLEX 5A, OGNA TYPE. Identifiers: Orphanet 79401, MedGen C0432317, MONDO:0007555, OMIM 131950.
Epidermolysis bullosa simplex with nail dystrophy (EBS5D). Identifiers: MedGen C4225309, MONDO:0014661, OMIM 616487.
Autosomal recessive limb-girdle muscular dystrophy type 2Q (LGMDR17). Also called: MUSCULAR DYSTROPHY, LIMB-GIRDLE, AUTOSOMAL RECESSIVE 17. Identifiers: Orphanet 254361, MedGen C3150989, MONDO:0013390, OMIM 613723.
Epidermolysis bullosa simplex 5C, with pyloric atresia (EBS5C). Also called: PLEC1-Related Epidermolysis Bullosa with Pyloric Atresia; PLEC-Related Epidermolysis Bullosa with Pyloric Atresia; Epidermolysis bullosa simplex with pyloric atresia. Identifiers: Orphanet 158684, MedGen C2677349, MONDO:0012807, OMIM 612138.

gnomAD v4.1: 1 of 1,609,602 alleles (0.000062%); no homozygotes.

Submission:

Labcorp Genetics (formerly Invitae), Labcorp
Classification: Uncertain significance for Autosomal recessive limb-girdle muscular dystrophy type 2Q; Epidermolysis bullosa simplex, Ogna type; Epidermolysis bullosa simplex with nail dystrophy; Epidermolysis bullosa simplex 5C, with pyloric atresia; Epidermolysis bullosa simplex 5B, with muscular dystrophy. Last evaluated: 2020-11-27. Review status: criteria provided, single submitter. Criteria: Invitae Variant Classification Sherloc (09022015). Collection method: clinical testing. Allele origin: germline.
Comment: Algorithms developed to predict the effect of missense changes on protein structure and function are either unavailable or do not agree on the potential impact of this missense change (SIFT: "Deleterious"; PolyPhen-2: "Benign"; Align-GVGD: "Class C55"). In summary, the available evidence is currently insufficient to determine the role of this variant in disease. Therefore, it has been classified as a Variant of Uncertain Significance. This variant has not been reported in the literature in individuals with PLEC-related conditions. This variant is not present in population databases (ExAC no frequency). This sequence change replaces alanine with valine at codon 2314 of the PLEC protein (p.Ala2314Val). The alanine residue is highly conserved and there is a small physicochemical difference between alanine and valine.

NM_201384.3(PLEC):c.6860C>T (p.Ala2287Val)

Gene: PLEC (plectin; minus strand). Cytogenetic location: 8q24.3.
Variant type: single nucleotide variant.
Coding change: c.6860C>T on transcript NM_201384.3 (MANE Select); coding-DNA position 6860, C replaced by T.
Protein change: p.Ala2287Val; replaces alanine 2287 with valine.
Molecular consequence: missense variant.
Genome position (GRCh38, 1-based): chr8:143,923,069, G>A on the plus strand (C>T on the coding strand, the complement: PLEC is on the minus strand). VCF-style: chr8-143923069-G-A. GRCh37 (hg19) VCF-style: chr8-144997237-G-A.
Other names: c.6941C>T, p.Ala2314Val (NM_000445.5); c.6818C>T, p.Ala2273Val (NM_201378.4); c.6794C>T, p.Ala2265Val (NM_201379.3); c.7271C>T, p.Ala2424Val (NM_201380.4); c.6764C>T, p.Ala2255Val (NM_201381.3); c.6860C>T, p.Ala2287Val (NM_201382.4); c.6872C>T, p.Ala2291Val (NM_201383.3); short protein forms A2255V, A2424V, A2265V, A2273V, A2291V, A2287V, A2314V.
Identifiers: ClinVar variation 1471306 (VCV001471306.8), dbSNP rs2131299748, ClinGen allele CA372531996.